The following is an entry in ClinVar:

ClinVar aggregate classification (germline): Uncertain significance. Review status: criteria provided, multiple submitters, no conflicts (2 of 4 stars). 2 submissions from 2 submitters: Uncertain significance (2). Last evaluated 2024-11-18.

Allele frequency attached by ClinVar (database versions not stated): gnomAD 0.00002; ExAC 0.00003; gnomAD exomes 0.00003; TOPMed 0.00003.
gnomAD v4.1: 47 of 1,589,826 alleles (0.003%); highest among the groups gnomAD compares: Non-Finnish European, 0.004%; no homozygotes.

Submissions (2):

Labcorp Genetics (formerly Invitae), Labcorp
Classification: Uncertain significance. Last evaluated: 2024-11-18. Review status: criteria provided, single submitter. Criteria: Invitae Variant Classification Sherloc (09022015). Collection method: clinical testing. Allele origin: germline.
Comment: This sequence change replaces leucine, which is neutral and non-polar, with proline, which is neutral and non-polar, at codon 648 of the KIF11 protein (p.Leu648Pro). This variant is present in population databases (rs780201167, gnomAD 0.004%). This variant has not been reported in the literature in individuals affected with KIF11-related conditions. ClinVar contains an entry for this variant (Variation ID: 1982338). Invitae Evidence Modeling of protein sequence and biophysical properties (such as structural, functional, and spatial information, amino acid conservation, physicochemical variation, residue mobility, and thermodynamic stability) has been performed for this missense variant. However, the output from this modeling did not meet the statistical confidence thresholds required to predict the impact of this variant on KIF11 protein function. In summary, the available evidence is currently insufficient to determine the role of this variant in disease. Therefore, it has been classified as a Variant of Uncertain Significance.

Blueprint Genetics
Classification: Uncertain significance. Last evaluated: 2021-06-11. Review status: criteria provided, single submitter. Criteria: ACMG Guidelines, 2015. Collection method: clinical testing. Allele origin: germline.

NM_004523.4(KIF11):c.1943T>C (p.Leu648Pro)

Gene: KIF11 (kinesin family member 11; plus strand). Cytogenetic location: 10q23.33.
Variant type: single nucleotide variant.
Coding change: c.1943T>C on transcript NM_004523.4 (MANE Select); coding-DNA position 1943, T replaced by C.
Protein change: p.Leu648Pro; replaces leucine 648 with proline.
Molecular consequence: missense variant.
Genome position (GRCh38, 1-based): chr10:92,637,251, T>C. VCF-style: chr10-92637251-T-C. GRCh37 (hg19) VCF-style: chr10-94397008-T-C.
Other names: short protein forms L648P.
Identifiers: ClinVar variation 1982338 (VCV001982338.5), dbSNP rs780201167, ClinGen allele CA5604288.